The following is an entry in ClinVar:

NM_000722.4(CACNA2D1):c.421G>C (p.Gly141Arg)

Gene: CACNA2D1 (calcium voltage-gated channel auxiliary subunit alpha2delta 1; minus strand). Cytogenetic location: 7q21.11.
Variant type: single nucleotide variant.
Coding change: c.421G>C on transcript NM_000722.4 (MANE Select); coding-DNA position 421, G replaced by C.
Protein change: p.Gly141Arg; replaces glycine 141 with arginine.
Molecular consequence: missense variant.
Genome position (GRCh38, 1-based): chr7:82,117,149, C>G on the plus strand (G>C on the coding strand, the complement: CACNA2D1 is on the minus strand). VCF-style: chr7-82117149-C-G. GRCh37 (hg19) VCF-style: chr7-81746465-C-G.
Other names: c.421G>C, p.Gly141Arg (NM_001302890.2, NM_001366867.1); short protein forms G141R.
Identifiers: ClinVar variation 1717055 (VCV001717055.6), dbSNP rs1342483559, ClinGen allele CA368017183.

ClinVar aggregate classification (germline): Uncertain significance. Review status: criteria provided, multiple submitters, no conflicts (2 of 4 stars). 2 submissions from 2 submitters: Uncertain significance (2). Last evaluated 2024-06-21.

Conditions:
Cardiovascular phenotype. Identifiers: MedGen CN230736.
Brugada syndrome. Also called: Sudden Unexplained Death Syndrome; Sudden Unexplained Nocturnal Death Syndrome (SUNDS); Sudden unexpected nocturnal death syndrome; Sudden unexplained nocturnal death syndrome. Identifiers: Orphanet 130, MedGen C1142166, MONDO:0015263.

Allele frequency attached by ClinVar (database versions not stated): gnomAD exomes 0.00001.
gnomAD v4.1: 3 of 1,613,792 alleles (0.00019%); highest among the groups gnomAD compares: South Asian, 0.0033%; no homozygotes.

Submissions (2):

Ambry Genetics
Classification: Uncertain significance for Cardiovascular phenotype. Last evaluated: 2024-06-21. Review status: criteria provided, single submitter. Criteria: Ambry Variant Classification Scheme 2023. Collection method: clinical testing. Allele origin: germline.
Comment: The p.G141R variant (also known as c.421G>C), located in coding exon 6 of the CACNA2D1 gene, results from a G to C substitution at nucleotide position 421. The glycine at codon 141 is replaced by arginine, an amino acid with dissimilar properties. This amino acid position is conserved. In addition, this alteration is predicted to be tolerated by in silico analysis. Based on the available evidence, the clinical significance of this variant remains unclear.

Labcorp Genetics (formerly Invitae), Labcorp
Classification: Uncertain significance for Brugada syndrome. Last evaluated: 2022-08-20. Review status: criteria provided, single submitter. Criteria: Invitae Variant Classification Sherloc (09022015). Collection method: clinical testing. Allele origin: germline.
Comment: In summary, the available evidence is currently insufficient to determine the role of this variant in disease. Therefore, it has been classified as a Variant of Uncertain Significance. Algorithms developed to predict the effect of missense changes on protein structure and function (SIFT, PolyPhen-2, Align-GVGD) all suggest that this variant is likely to be tolerated. This variant has not been reported in the literature in individuals affected with CACNA2D1-related conditions. This variant is present in population databases (no rsID available, gnomAD 0.003%). This sequence change replaces glycine, which is neutral and non-polar, with arginine, which is basic and polar, at codon 141 of the CACNA2D1 protein (p.Gly141Arg).